The following is an entry in ClinVar:

NM_002439.5(MSH3):c.1731G>T (p.Lys577Asn)

Gene: MSH3 (mutS homolog 3; plus strand). Cytogenetic location: 5q14.1.
Variant type: single nucleotide variant.
Coding change: c.1731G>T on transcript NM_002439.5 (MANE Select); coding-DNA position 1731, G replaced by T.
Protein change: p.Lys577Asn; replaces lysine 577 with asparagine.
Molecular consequence: missense variant.
Genome position (GRCh38, 1-based): chr5:80,744,583, G>T. VCF-style: chr5-80744583-G-T. GRCh37 (hg19) VCF-style: chr5-80040402-G-T.
Other names: short protein forms K577N.
Identifiers: ClinVar variation 3727162 (VCV003727162.2).

ClinVar aggregate classification (germline): Uncertain significance (1 of 4 stars; one submission).

Submission:

Labcorp Genetics (formerly Invitae), Labcorp
Classification: Uncertain significance. Last evaluated: 2024-12-12. Review status: criteria provided, single submitter. Criteria: Invitae Variant Classification Sherloc (09022015). Collection method: clinical testing. Allele origin: germline.
Comment: This sequence change replaces lysine, which is basic and polar, with asparagine, which is neutral and polar, at codon 577 of the MSH3 protein (p.Lys577Asn). This variant is not present in population databases (gnomAD no frequency). This variant has not been reported in the literature in individuals affected with MSH3-related conditions. An algorithm developed to predict the effect of missense changes on protein structure and function (PolyPhen-2) suggests that this variant is likely to be disruptive. In summary, the available evidence is currently insufficient to determine the role of this variant in disease. Therefore, it has been classified as a Variant of Uncertain Significance.